The following is an entry in ClinVar:

ClinVar aggregate classification (germline): Pathogenic (1 of 4 stars; one submission).

Conditions:
Hereditary cancer-predisposing syndrome. Also called: Neoplastic Syndromes, Hereditary; Tumor predisposition; Hereditary Cancer Syndrome; Hereditary neoplastic syndrome. Identifiers: Orphanet 140162, MedGen C0027672, MeSH D009386, MONDO:0015356.

Submission:

Ambry Genetics
Classification: Pathogenic for Hereditary cancer-predisposing syndrome. Last evaluated: 2025-11-20. Review status: criteria provided, single submitter. Criteria: Ambry Variant Classification Scheme 2023. Collection method: clinical testing. Allele origin: germline.
Comment: The c.1618_1621dupTTAC pathogenic mutation, located in coding exon 12 of the APC gene, results from a duplication of TTAC at nucleotide position 1618, causing a translational frameshift with a predicted alternate stop codon (p.Q541Lfs*20). This variant was reported in individual(s) with features consistent with APC-related familial adenomatous polyposis (Ambry internal data). This variant is considered to be rare based on population cohorts in the Genome Aggregation Database (gnomAD). This alteration is expected to result in loss of function by premature protein truncation or nonsense-mediated mRNA decay. As such, this alteration is interpreted as a disease-causing mutation.

NM_000038.6(APC):c.1618_1621dup (p.Gln541fs)

Gene: APC (APC regulator of Wnt signaling pathway; plus strand). Cytogenetic location: 5q22.2.
Variant type: Duplication.
Coding change: c.1618_1621dup on transcript NM_000038.6 (MANE Select); coding-DNA positions 1618 to 1621, 4 bases duplicated (TTAC; older notation c.1618_1621dupTTAC).
Protein change: p.Gln541fs; shifts the reading frame from glutamine 541.
Molecular consequence: frameshift variant.
Genome position (GRCh38, 1-based): chr5:112,827,998-112,828,001, TTAC duplicated; duplicating any 4 consecutive bases within chr5:112,827,996-112,828,001 gives the same sequence; the c. name uses the placement nearest the transcript's 3' end. VCF-style (leftmost placement, unchanged base first): chr5-112827995-G-GACTT. GRCh37 (hg19) VCF-style: chr5-112163692-G-GACTT.
Other names: c.1618_1621dup, p.Gln541fs (NM_001127510.3, NM_001354895.2, NM_001407450.1); c.1564_1567dup, p.Gln523fs (NM_001127511.3); c.1672_1675dup, p.Gln559fs (NM_001354896.2, NM_001407447.1, NM_001407448.1 and 1 more transcripts); c.1648_1651dup, p.Gln551fs (NM_001354897.2); c.1543_1546dup, p.Gln516fs (NM_001354898.2); c.1534_1537dup, p.Gln513fs (NM_001354899.2); c.1495_1498dup, p.Gln500fs (NM_001354900.2); c.1441_1444dup, p.Gln482fs (NM_001354901.2, NM_001407453.1); and 11 more; short protein forms Q157fs, Q381fs, Q523fs, Q541fs, Q551fs, Q559fs, Q569fs, Q258fs.
Identifiers: ClinVar variation 4591840 (VCV004591840.1).